The following is an entry in ClinVar:

NM_032447.5(FBN3):c.1302G>A (p.Glu434=)

Gene: FBN3 (fibrillin 3; minus strand). Cytogenetic location: 19p13.2.
Variant type: single nucleotide variant.
Coding change: c.1302G>A on transcript NM_032447.5 (MANE Select); coding-DNA position 1302, G replaced by A.
Protein change: p.Glu434=; no amino-acid change (glutamic acid 434 retained).
Molecular consequence: synonymous variant.
Genome position (GRCh38, 1-based): chr19:8,136,431, C>T on the plus strand (G>A on the coding strand, the complement: FBN3 is on the minus strand). VCF-style: chr19-8136431-C-T. GRCh37 (hg19) VCF-style: chr19-8201315-C-T.
Other names: c.1302G>A (NM_001321431.1); c.1302G>A, p.Glu434= (NM_001321431.2).
Identifiers: ClinVar variation 2079344 (VCV002079344.6), dbSNP rs146886313, ClinGen allele CA9153400.

ClinVar aggregate classification (germline): Likely benign. Review status: criteria provided, single submitter (1 of 4 stars). 2 submissions from 2 submitters: Likely benign (1). 1 of the submissions does not count toward it. Last evaluated 2025-12-22.

Conditions:
FBN3-related disorder. Also called: FBN3-related condition.

Allele frequency attached by ClinVar (database versions not stated): gnomAD exomes 0.00004; ExAC 0.00007; ESP Exome Variant Server 0.00031; TOPMed 0.00039; gnomAD 0.00044; 1000 Genomes Project 30x 0.00047; 1000 Genomes Project 0.00060.
gnomAD v4.1: 133 of 1,614,196 alleles (0.0082%); highest among the groups gnomAD compares: African/African-American, 0.16%; no homozygotes.

Submissions (2):

Labcorp Genetics (formerly Invitae), Labcorp
Classification: Likely benign. Last evaluated: 2025-12-22. Review status: criteria provided, single submitter. Criteria: Invitae Variant Classification Sherloc (09022015). Collection method: clinical testing. Allele origin: germline.

PreventionGenetics, part of Exact Sciences
Classification: Likely benign for FBN3-related condition. Last evaluated: 2019-05-02. Review status: no assertion criteria provided. Collection method: clinical testing. Allele origin: germline. Not counted in ClinVar's aggregate classification.
Comment: This variant is classified as likely benign based on ACMG/AMP sequence variant interpretation guidelines (Richards et al. 2015 PMID: 25741868, with internal and published modifications).